The following is an entry in ClinVar:

ClinVar aggregate classification (germline): Likely benign. Review status: criteria provided, multiple submitters, no conflicts (2 of 4 stars). 2 submissions from 2 submitters: Likely benign (2). Last evaluated 2023-09-17.

Conditions:
Fanconi anemia (FA). Also called: Fanconi's anemia. Identifiers: Orphanet 84, MedGen C0015625, MeSH D005199, MONDO:0019391.

Allele frequency attached by ClinVar (database versions not stated): gnomAD exomes below 0.00001; TOPMed below 0.00001; gnomAD 0.00001.
gnomAD v4.1: 4 of 1,612,908 alleles (0.00025%); highest among the groups gnomAD compares: Non-Finnish European, 0.00025%; no homozygotes.

Submissions (2):

Labcorp Genetics (formerly Invitae), Labcorp
Classification: Likely benign for Fanconi anemia. Last evaluated: 2023-09-17. Review status: criteria provided, single submitter. Criteria: Invitae Variant Classification Sherloc (09022015). Collection method: clinical testing. Allele origin: germline.

GeneDx
Classification: Likely benign. Last evaluated: 2017-01-31. Review status: criteria provided, single submitter. Criteria: GeneDx Variant Classification (06012015). Collection method: clinical testing. Allele origin: germline. Affected: yes.
Comment: This variant is considered likely benign or benign based on one or more of the following criteria: it is a conservative change, it occurs at a poorly conserved position in the protein, it is predicted to be benign by multiple in silico algorithms, and/or has population frequency not consistent with disease.

NM_000136.3(FANCC):c.1330-9A>G

Genes: AOPEP (aminopeptidase O (putative); plus strand), FANCC (FA complementation group C; minus strand). Cytogenetic location: 9q22.32.
Variant type: single nucleotide variant.
Coding change: c.1330-9A>G on transcript NM_000136.3 (MANE Select); 9 bases into the intron before coding-DNA position 1330, A replaced by G.
Molecular consequence: intron variant.
Genome position (GRCh38, 1-based): chr9:95,107,278, T>C on the plus strand (A>G on the coding strand, the complement: FANCC is on the minus strand). VCF-style: chr9-95107278-T-C. GRCh37 (hg19) VCF-style: chr9-97869560-T-C.
Other names: c.1330-9A>G (NM_001243743.2).
Identifiers: ClinVar variation 516367 (VCV000516367.11), dbSNP rs1264460608, ClinGen allele CA589580893.